The following is an entry in ClinVar:

NM_024757.5(EHMT1):c.-1C>A

Genes: EHMT1 (euchromatic histone lysine methyltransferase 1; plus strand), LOC130003135 (ATAC-STARR-seq lymphoblastoid silent region 20636; plus strand). Cytogenetic location: 9q34.3.
Variant type: single nucleotide variant.
Coding change: c.-1C>A on transcript NM_024757.5 (MANE Select); 1 bases upstream of the start codon, C replaced by A.
Molecular consequence: 5 prime UTR variant.
Genome position (GRCh38, 1-based): chr9:137,619,028, C>A. VCF-style: chr9-137619028-C-A. GRCh37 (hg19) VCF-style: chr9-140513480-C-A.
Other names: c.-1C>A (NM_001145527.2, NM_001354263.2, NM_001354611.2); c.-30C>A (NM_001354259.2, NM_001354612.2).
Identifiers: ClinVar variation 1311167 (VCV001311167.2), dbSNP rs2133371390, ClinGen allele CA2573053150.

ClinVar aggregate classification (germline): Uncertain significance (1 of 4 stars; one submission).

Submission:

GeneDx
Classification: Uncertain significance. Last evaluated: 2020-11-20. Review status: criteria provided, single submitter. Criteria: GeneDx Variant Classification Process June 2021. Collection method: clinical testing. Allele origin: germline. Affected: yes.
Comment: Not observed in large population cohorts (Lek et al., 2016); Has not been previously published as pathogenic or benign to our knowledge; Variants have not been reported in the promoter region of the EHMT1gene in the Human Gene Mutation Database (Stenson et al., 2009).; Variant alters a conserved position in the Kozak sequence, which is located in the promoter region of the gene and plays a role in the initiation of protein translation.